The following is an entry in ClinVar:

NM_000719.7(CACNA1C):c.-27T>G

Gene: CACNA1C (calcium voltage-gated channel subunit alpha1 C; plus strand). Cytogenetic location: 12p13.33.
Variant type: single nucleotide variant.
Coding change: c.-27T>G on transcript NM_000719.7 (MANE Select); 27 bases upstream of the start codon, T replaced by G.
Molecular consequence: 5 prime UTR variant.
Genome position (GRCh38, 1-based): chr12:2,053,536, T>G. VCF-style: chr12-2053536-T-G. GRCh37 (hg19) VCF-style: chr12-2162702-T-G.
Other names: c.-27T>G (NM_001129827.2, NM_001129829.2, NM_001129830.3 and 19 more transcripts).
Identifiers: ClinVar variation 385645 (VCV000385645.1), dbSNP rs776331800, ClinGen allele CA6388348.

ClinVar aggregate classification (germline): Likely benign (1 of 4 stars; one submission).

Allele frequency attached by ClinVar (database versions not stated): ExAC 0.00002; gnomAD exomes 0.00001.
gnomAD v4.1: 1 of 1,576,612 alleles (0.000063%); highest among the groups gnomAD compares: Non-Finnish European, 0.000086%; no homozygotes.

Submission:

GeneDx
Classification: Likely benign. Last evaluated: 2016-04-21. Review status: criteria provided, single submitter. Criteria: GeneDx Variant Classification (06012015). Collection method: clinical testing. Allele origin: germline. Affected: yes.
Comment: This variant is considered likely benign or benign based on one or more of the following criteria: it is a conservative change, it occurs at a poorly conserved position in the protein, it is predicted to be benign by multiple in silico algorithms, and/or has population frequency not consistent with disease.